The following is an entry in ClinVar:

NM_005121.3(MED13):c.1659A>G (p.Ser553=)

Gene: MED13 (mediator complex subunit 13; minus strand). Cytogenetic location: 17q23.2.
Variant type: single nucleotide variant.
Coding change: c.1659A>G on transcript NM_005121.3 (MANE Select); coding-DNA position 1659, A replaced by G.
Protein change: p.Ser553=; no amino-acid change (serine 553 retained).
Molecular consequence: synonymous variant.
Genome position (GRCh38, 1-based): chr17:62,010,858, T>C on the plus strand (A>G on the coding strand, the complement: MED13 is on the minus strand). VCF-style: chr17-62010858-T-C. GRCh37 (hg19) VCF-style: chr17-60088219-T-C.
Identifiers: ClinVar variation 2648014 (VCV002648014.24), dbSNP rs190269501, ClinGen allele CA8693008.

ClinVar aggregate classification (germline): Likely benign (1 of 4 stars; one submission).

Allele frequency attached by ClinVar (database versions not stated): ExAC 0.00003; gnomAD 0.00005; TOPMed 0.00005; ESP Exome Variant Server 0.00008; 1000 Genomes Project 30x 0.00016; 1000 Genomes Project 0.00020.
gnomAD v4.1: 48 of 1,614,266 alleles (0.003%); highest among the groups gnomAD compares: East Asian, 0.033%; no homozygotes.

Submission:

CeGaT Center for Human Genetics Tuebingen
Classification: Likely benign. Last evaluated: 2023-08-01. Review status: criteria provided, single submitter. Criteria: CeGaT Center For Human Genetics Tuebingen Variant Classification Criteria Version 2. Collection method: clinical testing. Allele origin: germline. Affected: yes. Observed: 1 variant allele.
Comment: MED13: BP4, BP7